The following is an entry in ClinVar:

ClinVar aggregate classification (germline): Uncertain significance. Review status: criteria provided, multiple submitters, no conflicts (2 of 4 stars). 3 submissions from 3 submitters: Uncertain significance (3). Last evaluated 2025-11-26.

Conditions:
Inborn genetic diseases. Identifiers: MedGen C0950123, MeSH D030342.
Amelocerebrohypohidrotic syndrome (KTZS). Also called: EPILEPSY AND YELLOW TEETH; EPILEPSY, DEMENTIA, AND AMELOGENESIS IMPERFECTA; KOHLSCHUTTER SYNDROME; Kohlschutter's syndrome. Identifiers: Orphanet 1946, MedGen C0406740, MONDO:0009185, OMIM 226750.

Allele frequency attached by ClinVar (database versions not stated): TOPMed 0.00006; ESP Exome Variant Server 0.00008; gnomAD 0.00004 and 0.00005; ExAC 0.00009; gnomAD exomes 0.00004 and 0.00006.
gnomAD v4.1: 64 of 1,613,560 alleles (0.004%); highest among the groups gnomAD compares: Middle Eastern, 0.016%; no homozygotes.

Submissions (3):

Ambry Genetics
Classification: Uncertain significance for Inborn genetic diseases. Last evaluated: 2025-11-26. Review status: criteria provided, single submitter. Criteria: Ambry Variant Classification Scheme 2023. Collection method: clinical testing. Allele origin: germline.

Labcorp Genetics (formerly Invitae), Labcorp
Classification: Uncertain significance for Amelocerebrohypohidrotic syndrome. Last evaluated: 2022-05-04. Review status: criteria provided, single submitter. Criteria: Invitae Variant Classification Sherloc (09022015). Collection method: clinical testing. Allele origin: germline.
Comment: This sequence change replaces arginine, which is basic and polar, with glutamine, which is neutral and polar, at codon 130 of the ROGDI protein (p.Arg130Gln). This variant is present in population databases (rs374603311, gnomAD 0.1%). This variant has not been reported in the literature in individuals affected with ROGDI-related conditions. ClinVar contains an entry for this variant (Variation ID: 530798). Algorithms developed to predict the effect of missense changes on protein structure and function are either unavailable or do not agree on the potential impact of this missense change (SIFT: "Tolerated"; PolyPhen-2: "Possibly Damaging"; Align-GVGD: "Class C0"). Algorithms developed to predict the effect of sequence changes on RNA splicing suggest that this variant may create or strengthen a splice site. In summary, the available evidence is currently insufficient to determine the role of this variant in disease. Therefore, it has been classified as a Variant of Uncertain Significance.

Illumina Laboratory Services, Illumina
Classification: Uncertain significance for Kohlschutter syndrome. Last evaluated: 2018-01-13. Review status: criteria provided, single submitter. Criteria: ICSL Variant Classification Criteria 13 December 2019. Collection method: clinical testing. Allele origin: germline.

NM_024589.3(ROGDI):c.389G>A (p.Arg130Gln)

Gene: ROGDI (rogdi atypical leucine zipper; minus strand). Cytogenetic location: 16p13.3.
Variant type: single nucleotide variant.
Coding change: c.389G>A on transcript NM_024589.3 (MANE Select); coding-DNA position 389, G replaced by A.
Protein change: p.Arg130Gln; replaces arginine 130 with glutamine.
Molecular consequence: missense variant. On other transcripts: non-coding transcript variant (1).
Genome position (GRCh38, 1-based): chr16:4,799,729, C>T on the plus strand (G>A on the coding strand, the complement: ROGDI is on the minus strand). VCF-style: chr16-4799729-C-T. GRCh37 (hg19) VCF-style: chr16-4849730-C-T.
Other names: c.389G>A (NM_024589.1); short protein forms R130Q.
Identifiers: ClinVar variation 530798 (VCV000530798.12), dbSNP rs374603311, ClinGen allele CA7882758.